The following is an entry in ClinVar:

ClinVar aggregate classification (germline): Uncertain significance (1 of 4 stars; one submission).

Submission:

GeneDx
Classification: Uncertain significance. Last evaluated: 2024-12-23. Review status: criteria provided, single submitter. Criteria: GeneDx Variant Classification Process June 2021. Collection method: clinical testing. Allele origin: germline. Affected: yes.
Comment: Not observed at significant frequency in large population cohorts (gnomAD); In silico analysis supports that this missense variant has a deleterious effect on protein structure/function; Has not been previously published as pathogenic or benign to our knowledge

NM_000807.4(GABRA2):c.499C>T (p.Pro167Ser)

Gene: GABRA2 (gamma-aminobutyric acid type A receptor subunit alpha2; minus strand). Cytogenetic location: 4p12.
Variant type: single nucleotide variant.
Coding change: c.499C>T on transcript NM_000807.4 (MANE Select); coding-DNA position 499, C replaced by T.
Protein change: p.Pro167Ser; replaces proline 167 with serine.
Molecular consequence: missense variant.
Genome position (GRCh38, 1-based): chr4:46,310,233, G>A on the plus strand (C>T on the coding strand, the complement: GABRA2 is on the minus strand). VCF-style: chr4-46310233-G-A. GRCh37 (hg19) VCF-style: chr4-46312250-G-A.
Other names: c.499C>T, p.Pro167Ser (NM_001114175.3, NM_001330690.2, NM_001377144.1 and 8 more transcripts); c.334C>T, p.Pro112Ser (NM_001286827.3, NM_001377152.1, NM_001377153.1 and 1 more transcripts); short protein forms P112S, P167S.
Identifiers: ClinVar variation 3372472 (VCV003372472.2).